The following is an entry in ClinVar:

ClinVar aggregate classification (germline): Pathogenic (1 of 4 stars; one submission).

Conditions:
Maple syrup urine disease, mild variant (MSUDMV). Identifiers: Orphanet 511, MedGen C3554575, MONDO:0014057, OMIM 615135.

gnomAD v4.1: 4 of 1,613,764 alleles (0.00025%); highest among the groups gnomAD compares: African/African-American, 0.0013%; no homozygotes.

Submission:

Labcorp Genetics (formerly Invitae), Labcorp
Classification: Pathogenic for Maple syrup urine disease, mild variant. Last evaluated: 2025-10-15. Review status: criteria provided, single submitter. Criteria: Invitae Variant Classification Sherloc (09022015). Collection method: clinical testing. Allele origin: germline.
Comment: This sequence change creates a premature translational stop signal (p.Arg196*) in the PPM1K gene. It is expected to result in an absent or disrupted protein product. Loss-of-function variants in PPM1K are known to be pathogenic (PMID: 23086801, 40047138). This variant is present in population databases (rs748117308, gnomAD 0.007%). This variant has not been reported in the literature in individuals affected with PPM1K-related conditions. For these reasons, this variant has been classified as Pathogenic.

Literature cited by the submitters: PubMed 23086801; PubMed 40047138.

NM_152542.5(PPM1K):c.586C>T (p.Arg196Ter)

Gene: PPM1K (protein phosphatase, Mg2+/Mn2+ dependent 1K; minus strand). Cytogenetic location: 4q22.1.
Variant type: single nucleotide variant.
Coding change: c.586C>T on transcript NM_152542.5 (MANE Select); coding-DNA position 586, C replaced by T.
Protein change: p.Arg196Ter; replaces arginine 196 with a stop codon.
Molecular consequence: nonsense.
Genome position (GRCh38, 1-based): chr4:88,268,862, G>A on the plus strand (C>T on the coding strand, the complement: PPM1K is on the minus strand). VCF-style: chr4-88268862-G-A. GRCh37 (hg19) VCF-style: chr4-89190014-G-A.
Other names: short protein forms R196*.
Identifiers: ClinVar variation 4736875 (VCV004736875.1).
Genomic context (GRCh38, chr4:88,268,862, plus strand): 5'-TTCTACACAAAATAGCCCGGCTGTCCCCAACACTGGCTACAACCAGTTCAATACCATCTC[G>A]CAATAGGGCTACTGTTGCAGTAGTCCCAGAGGTCAGAAGAGTTGCTACAAGTATTATGAA-3'